The following is an entry in ClinVar:

NM_014709.4(USP34):c.1974C>T (p.Ser658=)

Gene: USP34 (ubiquitin specific peptidase 34; minus strand). Cytogenetic location: 2p15.
Variant type: single nucleotide variant.
Coding change: c.1974C>T on transcript NM_014709.4 (MANE Select); coding-DNA position 1974, C replaced by T.
Protein change: p.Ser658=; no amino-acid change (serine 658 retained).
Molecular consequence: synonymous variant.
Genome position (GRCh38, 1-based): chr2:61,348,181, G>A on the plus strand (C>T on the coding strand, the complement: USP34 is on the minus strand). VCF-style: chr2-61348181-G-A. GRCh37 (hg19) VCF-style: chr2-61575316-G-A.
Identifiers: ClinVar variation 2650983 (VCV002650983.24), dbSNP rs764622929, ClinGen allele CA1677324.
Genomic context (GRCh38, chr2:61,348,181, plus strand): 5'-GTTAAAAACCAGGTCCTTTCCTGTTCCGCTGCTTGTCCCATTTCTTTCTGACATGCCTTG[G>A]GAGTCCCCCAGGCAAATGCCTGCTTGACTCTCTAACTTTCTATTCCGAAGATCTGTACCA-3'
Protein context (NP_055524.3, residues 648-668): ESQAGICLGD[Ser658=]QGMSERNGTS

ClinVar aggregate classification (germline): Likely benign (1 of 4 stars; one submission).

Allele frequency attached by ClinVar (database versions not stated): gnomAD 0.00001; gnomAD exomes 0.00001; TOPMed 0.00002; ExAC 0.00004.
gnomAD v4.1: 12 of 1,614,022 alleles (0.00074%); highest among the groups gnomAD compares: Admixed American, 0.0067%; no homozygotes.

Submission:

CeGaT Center for Human Genetics Tuebingen
Classification: Likely benign. Last evaluated: 2022-11-01. Review status: criteria provided, single submitter. Criteria: CeGaT Center For Human Genetics Tuebingen Variant Classification Criteria Version 2. Collection method: clinical testing. Allele origin: germline. Affected: yes. Observed: 1 variant allele.
Comment: USP34: BP4, BP7